The following is an entry in ClinVar:

ClinVar aggregate classification (germline): Uncertain significance. Review status: criteria provided, multiple submitters, no conflicts (2 of 4 stars). 2 submissions from 2 submitters: Uncertain significance (2). Last evaluated 2026-07-06.

Conditions:
Rhabdoid tumor predisposition syndrome 2 (RTPS2). Identifiers: Orphanet 231108, Orphanet 69077, MedGen C2750074, MONDO:0013224, OMIM 613325.
Hereditary cancer-predisposing syndrome. Also called: Hereditary Cancer Syndrome; Hereditary neoplastic syndrome; Neoplastic Syndromes, Hereditary; Tumor predisposition. Identifiers: Orphanet 140162, MedGen C0027672, MeSH D009386, MONDO:0015356.

Submissions (2):

Ambry Genetics
Classification: Uncertain significance for Hereditary cancer-predisposing syndrome. Last evaluated: 2026-07-06. Review status: criteria provided, single submitter. Criteria: Ambry Variant Classification Scheme 2023. Collection method: clinical testing. Allele origin: germline.
Comment: The p.D1670N variant (also known as c.5008G>A) is located in coding exon 35 of the SMARCA4 gene. The aspartic acid at codon 1670 is replaced by asparagine, an amino acid with highly similar properties. This change occurs in the first base pair of coding exon 35. This amino acid position is conserved. In addition, this alteration is predicted to be tolerated by in silico analysis. Based on the available evidence, the clinical significance of this variant remains unclear.

Labcorp Genetics (formerly Invitae), Labcorp
Classification: Uncertain significance for Rhabdoid tumor predisposition syndrome 2. Last evaluated: 2023-07-03. Review status: criteria provided, single submitter. Criteria: Invitae Variant Classification Sherloc (09022015). Collection method: clinical testing. Allele origin: germline.
Comment: This sequence change replaces aspartic acid, which is acidic and polar, with asparagine, which is neutral and polar, at codon 1670 of the SMARCA4 protein (p.Asp1670Asn). This variant is not present in population databases (gnomAD no frequency). This variant has not been reported in the literature in individuals affected with SMARCA4-related conditions. Experimental studies and prediction algorithms are not available or were not evaluated, and the functional significance of this variant is currently unknown. In summary, the available evidence is currently insufficient to determine the role of this variant in disease. Therefore, it has been classified as a Variant of Uncertain Significance.

NM_003072.5(SMARCA4):c.4912G>A (p.Asp1638Asn)

Gene: SMARCA4 (SWI/SNF related BAF chromatin remodeling complex subunit ATPase 4; plus strand). Cytogenetic location: 19p13.2.
Variant type: single nucleotide variant.
Coding change: c.4912G>A on transcript NM_003072.5 (MANE Select); coding-DNA position 4912, G replaced by A.
Protein change: p.Asp1638Asn; replaces aspartic acid 1638 with asparagine.
Molecular consequence: missense variant. On other transcripts: non-coding transcript variant (1).
Genome position (GRCh38, 1-based): chr19:11,061,784, G>A. VCF-style: chr19-11061784-G-A. GRCh37 (hg19) VCF-style: chr19-11172460-G-A.
Other names: c.4912G>A, p.Asp1638Asn (NM_001128844.3); c.4822G>A, p.Asp1608Asn (NM_001128845.2); c.4819G>A, p.Asp1607Asn (NM_001128846.2); c.4813G>A, p.Asp1605Asn (NM_001128847.4, NM_001374457.1); c.4810G>A, p.Asp1604Asn (NM_001128848.2); c.5008G>A, p.Asp1670Asn (NM_001128849.3, NM_001387283.1); c.5008G>A (NM_001128849.1); c.4909G>A, p.Asp1637Asn (NM_001411150.1); short protein forms D1605N, D1604N, D1607N, D1608N, D1638N, D1670N, D1637N.
Identifiers: ClinVar variation 2734779 (VCV002734779.4), dbSNP rs2076916576, ClinGen allele CA404081775.